The following is an entry in ClinVar:

NM_014423.4(AFF4):c.1222G>A (p.Gly408Arg)

Gene: AFF4 (ALF transcription elongation factor 4; minus strand). Cytogenetic location: 5q31.1.
Variant type: single nucleotide variant.
Coding change: c.1222G>A on transcript NM_014423.4 (MANE Select); coding-DNA position 1222, G replaced by A.
Protein change: p.Gly408Arg; replaces glycine 408 with arginine.
Molecular consequence: missense variant.
Genome position (GRCh38, 1-based): chr5:132,899,108, C>T on the plus strand (G>A on the coding strand, the complement: AFF4 is on the minus strand). VCF-style: chr5-132899108-C-T. GRCh37 (hg19) VCF-style: chr5-132234800-C-T.
Other names: short protein forms G408R.
Identifiers: ClinVar variation 4083429 (VCV004083429.1).

ClinVar aggregate classification (germline): Uncertain significance (1 of 4 stars; one submission).

Submission:

GeneDx
Classification: Uncertain significance. Last evaluated: 2025-03-13. Review status: criteria provided, single submitter. Criteria: GeneDx Variant Classification Process June 2021. Collection method: clinical testing. Allele origin: germline. Affected: yes.
Comment: Not observed at significant frequency in large population cohorts (gnomAD); In silico analysis indicates that this missense variant does not alter protein structure/function; Has not been previously published as pathogenic or benign to our knowledge